The following is an entry in ClinVar:

ClinVar aggregate classification (germline): Uncertain significance (1 of 4 stars; one submission).

Allele frequency attached by ClinVar (database versions not stated): gnomAD exomes below 0.00001 and 0.00001; TOPMed 0.00003; ExAC 0.00005; gnomAD 0.00005 and 0.00006; ESP Exome Variant Server 0.00022.
gnomAD v4.1: 14 of 1,551,642 alleles (0.0009%); highest among the groups gnomAD compares: African/African-American, 0.016%; no homozygotes.

Submission:

Labcorp Genetics (formerly Invitae), Labcorp
Classification: Uncertain significance. Last evaluated: 2021-07-11. Review status: criteria provided, single submitter. Criteria: Invitae Variant Classification Sherloc (09022015). Collection method: clinical testing. Allele origin: germline.
Comment: This sequence change replaces glycine with serine at codon 1359 of the WDR87 protein (p.Gly1359Ser). The glycine residue is weakly conserved and there is a small physicochemical difference between glycine and serine. This variant is present in population databases (rs371151906, ExAC 0.05%). This variant has not been reported in the literature in individuals affected with WDR87-related conditions. Algorithms developed to predict the effect of missense changes on protein structure and function (SIFT, PolyPhen-2, Align-GVGD) all suggest that this variant is likely to be tolerated. In summary, the available evidence is currently insufficient to determine the role of this variant in disease. Therefore, it has been classified as a Variant of Uncertain Significance.

NM_001291088.2(WDR87):c.4192G>A (p.Gly1398Ser)

Gene: WDR87 (WD repeat domain 87; minus strand). Cytogenetic location: 19q13.13.
Variant type: single nucleotide variant.
Coding change: c.4192G>A on transcript NM_001291088.2 (MANE Select); coding-DNA position 4192, G replaced by A.
Protein change: p.Gly1398Ser; replaces glycine 1398 with serine.
Molecular consequence: missense variant.
Genome position (GRCh38, 1-based): chr19:37,889,479, C>T on the plus strand (G>A on the coding strand, the complement: WDR87 is on the minus strand). VCF-style: chr19-37889479-C-T. GRCh37 (hg19) VCF-style: chr19-38380119-C-T.
Other names: c.4075G>A, p.Gly1359Ser (NM_031951.5); short protein forms G1359S, G1398S.
Identifiers: ClinVar variation 1468514 (VCV001468514.8), dbSNP rs371151906, ClinGen allele CA9408670.